The following is an entry in ClinVar:

NM_002133.3(HMOX1):c.676A>G (p.Lys226Glu)

Gene: HMOX1 (heme oxygenase 1; plus strand). Cytogenetic location: 22q12.3.
Variant type: single nucleotide variant.
Coding change: c.676A>G on transcript NM_002133.3 (MANE Select); coding-DNA position 676, A replaced by G.
Protein change: p.Lys226Glu; replaces lysine 226 with glutamic acid.
Molecular consequence: missense variant.
Genome position (GRCh38, 1-based): chr22:35,389,903, A>G. VCF-style: chr22-35389903-A-G. GRCh37 (hg19) VCF-style: chr22-35785896-A-G.
Other names: c.676A>G (NM_002133.2); short protein forms K226E.
Identifiers: ClinVar variation 1164758 (VCV001164758.11), dbSNP rs566190009, ClinGen allele CA10204793.
Genomic context (GRCh38, chr22:35,389,903, plus strand): 5'-TGTGTGTCTTTTGTCTTTTAGCTCTTTGAGGAGTTGCAGGAGCTGCTGACCCATGACACC[A>G]AGGACCAGAGCCCCTCACGGGCACCAGGGCTTCGCCAGCGGGCCAGCAACAAAGTGCAAG-3'
Protein context (NP_002124.1, residues 216-236): ELQELLTHDT[Lys226Glu]DQSPSRAPGL

ClinVar aggregate classification (germline): Benign. Review status: criteria provided, single submitter (1 of 4 stars). 2 submissions from 2 submitters: Benign (1). 1 of the submissions does not count toward it. Last evaluated 2026-01-26.

Conditions:
HMOX1-related disorder. Also called: HMOX1-related condition.

Allele frequency attached by ClinVar (database versions not stated): gnomAD 0.00001 and 0.00022; TOPMed 0.00002; gnomAD exomes 0.00036 and 0.00083; ExAC 0.00110; 1000 Genomes Project 30x 0.00203; 1000 Genomes Project 0.00240.

Submissions (2):

Labcorp Genetics (formerly Invitae), Labcorp
Classification: Benign. Last evaluated: 2026-01-26. Review status: criteria provided, single submitter. Criteria: Invitae Variant Classification Sherloc (09022015). Collection method: clinical testing. Allele origin: germline.

PreventionGenetics, part of Exact Sciences
Classification: Likely benign for HMOX1-related condition. Last evaluated: 2020-03-16. Review status: no assertion criteria provided. Collection method: clinical testing. Allele origin: germline. Not counted in ClinVar's aggregate classification.
Comment: This variant is classified as likely benign based on ACMG/AMP sequence variant interpretation guidelines (Richards et al. 2015 PMID: 25741868, with internal and published modifications).